The following is an entry in ClinVar:

NM_198859.4(PRICKLE2):c.1190G>A (p.Arg397Gln)

Gene: PRICKLE2 (prickle planar cell polarity protein 2; minus strand). Cytogenetic location: 3p14.1.
Variant type: single nucleotide variant.
Coding change: c.1190G>A on transcript NM_198859.4 (MANE Select); coding-DNA position 1190, G replaced by A.
Protein change: p.Arg397Gln; replaces arginine 397 with glutamine.
Molecular consequence: missense variant.
Genome position (GRCh38, 1-based): chr3:64,147,300, C>T on the plus strand (G>A on the coding strand, the complement: PRICKLE2 is on the minus strand). VCF-style: chr3-64147300-C-T. GRCh37 (hg19) VCF-style: chr3-64132976-C-T.
Other names: c.1190G>A (NM_198859.3); c.1190G>A, p.Arg397Gln (NM_001370528.1); short protein forms R397Q.
Identifiers: ClinVar variation 287266 (VCV000287266.11), dbSNP rs550384726, ClinGen allele CA2479676.

ClinVar aggregate classification (germline): Uncertain significance. Review status: criteria provided, multiple submitters, no conflicts (2 of 4 stars). 3 submissions from 3 submitters: Uncertain significance (3). Last evaluated 2025-08-14.

Conditions:
Progressive myoclonic epilepsy type 5. Identifiers: Orphanet 402082, MedGen C5190799.

Allele frequency attached by ClinVar (database versions not stated): gnomAD exomes 0.00002; TOPMed 0.00002; ExAC 0.00003; gnomAD 0.00003 and 0.00001; 1000 Genomes Project 30x 0.00031; 1000 Genomes Project 0.00040.
gnomAD v4.1: 27 of 1,613,566 alleles (0.0017%); highest among the groups gnomAD compares: East Asian, 0.0067%; 1 homozygote.

Submissions (3):

Ambry Genetics
Classification: Uncertain significance. Last evaluated: 2025-08-14. Review status: criteria provided, single submitter. Criteria: Ambry Variant Classification Scheme 2023. Collection method: clinical testing. Allele origin: germline.

Labcorp Genetics (formerly Invitae), Labcorp
Classification: Uncertain significance for Progressive myoclonic epilepsy type 5. Last evaluated: 2022-08-09. Review status: criteria provided, single submitter. Criteria: Invitae Variant Classification Sherloc (09022015). Collection method: clinical testing. Allele origin: germline.
Comment: In summary, the available evidence is currently insufficient to determine the role of this variant in disease. Therefore, it has been classified as a Variant of Uncertain Significance. Algorithms developed to predict the effect of missense changes on protein structure and function are either unavailable or do not agree on the potential impact of this missense change (SIFT: "Deleterious"; PolyPhen-2: "Benign"; Align-GVGD: "Class C35"). ClinVar contains an entry for this variant (Variation ID: 287266). This variant has not been reported in the literature in individuals affected with PRICKLE2-related conditions. This variant is present in population databases (rs550384726, gnomAD 0.01%). This sequence change replaces arginine, which is basic and polar, with glutamine, which is neutral and polar, at codon 397 of the PRICKLE2 protein (p.Arg397Gln).

Eurofins Ntd Llc (ga)
Classification: Uncertain significance. Last evaluated: 2016-05-13. Review status: criteria provided, single submitter. Criteria: EGL Classification Definitions 2015. Collection method: clinical testing. Allele origin: germline. Observed: 1 variant allele, 1 heterozygote.